The following is an entry in ClinVar:

NM_001001557.4(GDF6):c.870C>T (p.Phe290=)

Gene: GDF6 (growth differentiation factor 6; minus strand). Cytogenetic location: 8q22.1.
Variant type: single nucleotide variant.
Coding change: c.870C>T on transcript NM_001001557.4 (MANE Select); coding-DNA position 870, C replaced by T.
Protein change: p.Phe290=; no amino-acid change (phenylalanine 290 retained).
Molecular consequence: synonymous variant.
Genome position (GRCh38, 1-based): chr8:96,145,061, G>A on the plus strand (C>T on the coding strand, the complement: GDF6 is on the minus strand). VCF-style: chr8-96145061-G-A. GRCh37 (hg19) VCF-style: chr8-97157289-G-A.
Identifiers: ClinVar variation 364045 (VCV000364045.17), dbSNP rs765928590, ClinGen allele CA4815396.

ClinVar aggregate classification (germline): Benign/Likely benign. Review status: criteria provided, multiple submitters, no conflicts (2 of 4 stars). 4 submissions from 4 submitters: Benign (1); Likely benign (3). Last evaluated 2026-02-03.

Conditions:
Klippel-Feil syndrome 1, autosomal dominant (KFS1). Also called: CERVICAL VERTEBRAL FUSION, AUTOSOMAL DOMINANT. Identifiers: Orphanet 2345, MedGen C1861689, MONDO:0007306, OMIM 118100.
Microphthalmia, isolated, with coloboma 6 (MCOPCB6). Also called: Microphthalmia with coloboma 6, digenic; Microphthalmia with coloboma 6; MICROPHTHALMIA/COLOBOMA 6. Identifiers: Orphanet 98938, MedGen C3150968, MONDO:0013376, OMIM 613703.
Isolated microphthalmia 4. Identifiers: Orphanet 2542, MedGen C2751307, MONDO:0013130, OMIM 613094.
Leber congenital amaurosis 17 (LCA17). Identifiers: Orphanet 65, MedGen C3715164, MONDO:0014145, OMIM 615360.

Allele frequency attached by ClinVar (database versions not stated): TOPMed 0.00009.
gnomAD v4.1: 150 of 1,499,938 alleles (0.01%); highest among the groups gnomAD compares: Middle Eastern, 0.28%; 1 homozygote.

Submissions (4):

Labcorp Genetics (formerly Invitae), Labcorp
Classification: Likely benign for Isolated microphthalmia 4; Leber congenital amaurosis 17; Klippel-Feil syndrome 1, autosomal dominant; Microphthalmia, isolated, with coloboma 6. Last evaluated: 2026-02-03. Review status: criteria provided, single submitter. Criteria: Invitae Variant Classification Sherloc (09022015). Collection method: clinical testing. Allele origin: germline.

Blueprint Genetics
Classification: Likely benign. Last evaluated: 2024-09-02. Review status: criteria provided, single submitter. Criteria: ACMG Guidelines, 2015. Collection method: clinical testing. Allele origin: germline.

Illumina Laboratory Services, Illumina
Classification: Benign for Klippel-Feil syndrome 1, autosomal dominant. Last evaluated: 2018-01-13. Review status: criteria provided, single submitter. Criteria: ICSL Variant Classification Criteria 13 December 2019. Collection method: clinical testing. Allele origin: germline.
Comment: This variant was observed in the ICSL laboratory as part of a predisposition screen in an ostensibly healthy population. It had not been previously curated by ICSL or reported in the Human Gene Mutation Database (HGMD: prior to June 1st, 2018), and was therefore a candidate for classification through an automated scoring system. Utilizing variant allele frequency, disease prevalence and penetrance estimates, and inheritance mode, an automated score was calculated to assess if this variant is too frequent to cause the disease. Based on the score and internal cut-off values, a variant classified as benign is not then subjected to further curation. The score for this variant resulted in a classification of benign for this disease.

Breakthrough Genomics
Classification: Likely benign. Review status: criteria provided, single submitter. Criteria: ACMG Guidelines, 2015. Collection method: not provided. Allele origin: germline. Inheritance: Autosomal recessive inheritance. Affected: yes.